The following is an entry in ClinVar:

NM_001365951.3(KIF1B):c.3513+7G>T

Gene: KIF1B (kinesin family member 1B; plus strand). Cytogenetic location: 1p36.22.
Variant type: single nucleotide variant.
Coding change: c.3513+7G>T on transcript NM_001365951.3 (MANE Select); 7 bases into the intron after coding-DNA position 3513, G replaced by T.
Molecular consequence: intron variant.
Genome position (GRCh38, 1-based): chr1:10,339,866, G>T. VCF-style: chr1-10339866-G-T. GRCh37 (hg19) VCF-style: chr1-10399924-G-T.
Other names: c.3375+7G>T (NM_015074.3); c.3513+7G>T (NM_001365952.1).
Identifiers: ClinVar variation 876069 (VCV000876069.6), dbSNP rs1174031782, ClinGen allele CA521150628.

ClinVar aggregate classification (germline): Uncertain significance. Review status: criteria provided, single submitter (1 of 4 stars). 2 submissions from 2 submitters: Uncertain significance (1). 1 of the submissions does not count toward it. Last evaluated 2018-01-13.

Conditions:
Neuroblastoma (NB). Identifiers: Orphanet 635, MedGen C0027819, MeSH D009447, MONDO:0005072, HP:0003006.
KIF1B-related disorder. Also called: KIF1B-related condition.

Allele frequency attached by ClinVar (database versions not stated): gnomAD exomes below 0.00001 and 0.00001; gnomAD 0.00001; TOPMed 0.00001.
gnomAD v4.1: 8 of 1,611,510 alleles (0.0005%); highest among the groups gnomAD compares: Non-Finnish European, 0.00068%; no homozygotes.

Submissions (2):

Illumina Laboratory Services, Illumina
Classification: Uncertain significance for Neuroblastoma. Last evaluated: 2018-01-13. Review status: criteria provided, single submitter. Criteria: ICSL Variant Classification Criteria 13 December 2019. Collection method: clinical testing. Allele origin: germline.

PreventionGenetics, part of Exact Sciences
Classification: Likely benign for KIF1B-related condition. Last evaluated: 2022-03-17. Review status: no assertion criteria provided. Collection method: clinical testing. Allele origin: germline. Not counted in ClinVar's aggregate classification.
Comment: This variant is classified as likely benign based on ACMG/AMP sequence variant interpretation guidelines (Richards et al. 2015 PMID: 25741868, with internal and published modifications).